The following is an entry in ClinVar:

ClinVar aggregate classification (germline): Uncertain significance (1 of 4 stars; one submission).

Conditions:
Pfeiffer syndrome (ACS5). Also called: ACS V. Identifiers: Orphanet 710, MedGen C0220658, MONDO:0007043, OMIM 101600.
Hypogonadotropic hypogonadism 2 with or without anosmia (HH2). Also called: FGFR1-Related GnRH Deficiency (Kallmann Syndrome 2); HYPOGONADOTROPIC HYPOGONADISM 2 WITH OR WITHOUT ANOSMIA, SUSCEPTIBILITY TO; HYPOGONADOTROPIC HYPOGONADISM 2 WITHOUT ANOSMIA; HYPOGONADOTROPIC HYPOGONADISM 2 WITHOUT ANOSMIA, SUSCEPTIBILITY TO. Identifiers: Orphanet 478, MedGen C1563720, MONDO:0007844, OMIM 147950. Disease mechanism: loss of function.

gnomAD v4.1: 2 of 1,613,902 alleles (0.00012%); highest among the groups gnomAD compares: Non-Finnish European, 0.000085%; no homozygotes.

Submission:

Labcorp Genetics (formerly Invitae), Labcorp
Classification: Uncertain significance for Pfeiffer syndrome; Hypogonadotropic hypogonadism 2 with or without anosmia. Last evaluated: 2024-07-31. Review status: criteria provided, single submitter. Criteria: Invitae Variant Classification Sherloc (09022015). Collection method: clinical testing. Allele origin: germline.
Comment: This sequence change replaces arginine, which is basic and polar, with glutamine, which is neutral and polar, at codon 646 of the FGFR1 protein (p.Arg646Gln). This variant is present in population databases (no rsID available, gnomAD 0.004%). This variant has not been reported in the literature in individuals affected with FGFR1-related conditions. Advanced modeling of protein sequence and biophysical properties (such as structural, functional, and spatial information, amino acid conservation, physicochemical variation, residue mobility, and thermodynamic stability) performed at Invitae indicates that this missense variant is expected to disrupt FGFR1 protein function with a positive predictive value of 95%. In summary, the available evidence is currently insufficient to determine the role of this variant in disease. Therefore, it has been classified as a Variant of Uncertain Significance.

NM_023110.3(FGFR1):c.1937G>A (p.Arg646Gln)

Gene: FGFR1 (fibroblast growth factor receptor 1; minus strand). Cytogenetic location: 8p11.23.
Variant type: single nucleotide variant.
Coding change: c.1937G>A on transcript NM_023110.3 (MANE Select); coding-DNA position 1937, G replaced by A.
Protein change: p.Arg646Gln; replaces arginine 646 with glutamine.
Molecular consequence: missense variant.
Genome position (GRCh38, 1-based): chr8:38,414,819, C>T on the plus strand (G>A on the coding strand, the complement: FGFR1 is on the minus strand). VCF-style: chr8-38414819-C-T. GRCh37 (hg19) VCF-style: chr8-38272337-C-T.
Other names: c.1931G>A, p.Arg644Gln (NM_001174063.2, NM_001174065.2, NM_001354367.2 and 1 more transcripts); c.1907G>A, p.Arg636Gln (NM_001174064.2); c.1670G>A, p.Arg557Gln (NM_001174066.2, NM_023105.3); c.2030G>A, p.Arg677Gln (NM_001174067.2); c.1658G>A, p.Arg553Gln (NM_001354368.2); c.1925G>A, p.Arg642Gln (NM_001354369.2, NM_001410922.1); c.1664G>A, p.Arg555Gln (NM_001354370.2, NM_023106.3); short protein forms R553Q, R555Q, R557Q, R636Q, R642Q, R644Q, R646Q, R677Q.
Identifiers: ClinVar variation 3753315 (VCV003753315.2).